The following is an entry in ClinVar:

NM_000535.7(PMS2):c.155dup (p.Thr52_Asn53insTer)

Gene: PMS2 (PMS1 homolog 2, mismatch repair system component; minus strand). Cytogenetic location: 7p22.1.
Variant type: Duplication.
Coding change: c.155dup on transcript NM_000535.7 (MANE Select); coding-DNA position 155, one base duplicated (C; older notation c.155dupC).
Protein change: p.Thr52_Asn53insTer.
Molecular consequence: frameshift variant. On other transcripts: 5 prime UTR variant (38), non-coding transcript variant (1), intron variant (7).
Genome position (GRCh38, 1-based): chr7:6,005,900, G duplicated on the plus strand (C on the coding strand, the reverse complement: PMS2 is on the minus strand). VCF-style (leftmost placement, unchanged base first): chr7-6005899-A-AG. GRCh37 (hg19) VCF-style: chr7-6045530-A-AG.
Other names: c.-251dup (NM_001018040.1, NM_001322003.2, NM_001322005.2 and 11 more transcripts); c.155dup, p.Thr52_Asn53insTer (NM_001322006.2, NM_001322014.2, NM_001406868.1 and 10 more transcripts); c.-61dup (NM_001322007.2, NM_001406876.1, NM_001406883.1 and 4 more transcripts); c.-730dup (NM_001322011.2, NM_001322012.2); c.-330dup (NM_001322015.2, NM_001406875.1, NM_001406877.1 and 2 more transcripts); c.341dup, p.Thr114_Asn115insTer (NM_001406866.1); c.-277dup (NM_001406880.1); c.-198dup (NM_001406888.1, NM_001406889.1, NM_001406892.1 and 5 more transcripts); and 7 more.
Identifiers: ClinVar variation 2677919 (VCV002677919.4), dbSNP rs2536580654, ClinGen allele CA2695198448.

ClinVar aggregate classification (germline): Pathogenic/Likely pathogenic. Review status: criteria provided, multiple submitters, no conflicts (2 of 4 stars). 2 submissions from 2 submitters: Pathogenic (1); Likely pathogenic (1). Last evaluated 2023-06-09.

Conditions:
Hereditary nonpolyposis colorectal neoplasms. Identifiers: MedGen C0009405, MeSH D003123.
Lynch syndrome 4 (LYNCH4). Also called: Colorectal cancer, hereditary nonpolyposis, type 4; Hereditary non-polyposis colorectal cancer, type 4. Identifiers: Orphanet 144, MedGen C1838333, MONDO:0013699, OMIM 614337. Disease mechanism: loss of function.

Submissions (2):

Baylor Genetics
Classification: Likely pathogenic for Lynch syndrome 4. Last evaluated: 2023-06-09. Review status: criteria provided, single submitter. Criteria: ACMG Guidelines, 2015. Collection method: clinical testing. Allele origin: unknown.

Labcorp Genetics (formerly Invitae), Labcorp
Classification: Pathogenic for Hereditary nonpolyposis colorectal neoplasms. Last evaluated: 2022-12-07. Review status: criteria provided, single submitter. Criteria: Invitae Variant Classification Sherloc (09022015). Collection method: clinical testing. Allele origin: germline.
Comment: For these reasons, this variant has been classified as Pathogenic. This variant has not been reported in the literature in individuals affected with PMS2-related conditions. This variant is not present in population databases (gnomAD no frequency). This sequence change creates a premature translational stop signal (p.Asn53*) in the PMS2 gene. It is expected to result in an absent or disrupted protein product. Loss-of-function variants in PMS2 are known to be pathogenic (PMID: 21376568, 24362816).

Literature cited by the submitters: PubMed 21376568 (cited by Labcorp Genetics (formerly Invitae), Labcorp); PubMed 24362816 (cited by Labcorp Genetics (formerly Invitae), Labcorp).